The following continues an entry in ClinVar:

NM_000083.3(CLCN1):c.1437_1450del (p.Pro480fs)

Gene: CLCN1. ClinVar aggregate classification (germline): Pathogenic/Likely pathogenic. Pathogenic (19); Likely pathogenic (1).

Submissions 13 to 23 of 23:

GeneDx
Classification: Pathogenic. Last evaluated: 2022-02-04. Review status: criteria provided, single submitter. Criteria: GeneDx Variant Classification Process June 2021. Collection method: clinical testing. Allele origin: germline. Affected: yes.
Comment: Observed with a pathogenic variant in a patient with myotonia congenita, but it is not known whether the variants occurred on the same (in cis) or on different (in trans) chromosomes (Brugnoni et al., 2013); Frameshift variant predicted to result in protein truncation or nonsense mediated decay in a gene for which loss-of-function is a known mechanism of disease; Not observed at a significant frequency in large population cohorts (gnomAD); This variant is associated with the following publications: (PMID: 23113340, 25438602, 7581380, 9040760, 33263785, 31589614, 23739125, 7951215)

MGZ Medical Genetics Center
Classification: Pathogenic for Congenital myotonia, autosomal dominant form. Last evaluated: 2022-01-28. Review status: criteria provided, single submitter. Criteria: ACMG Guidelines, 2015. Collection method: clinical testing. Allele origin: germline. Affected: yes. Observed: 1 variant allele.
Comment: ACMG criteria applied: PVS1, PM3, PM2_SUP

Equipe Genetique des Anomalies du Developpement, Université de Bourgogne
Classification: Pathogenic for Smith-Lemli-Opitz syndrome. Last evaluated: 2021-10-28. Review status: criteria provided, single submitter. Criteria: ACMG Guidelines, 2015. Collection method: clinical testing. Allele origin: unknown. Affected: yes.

Illumina Laboratory Services, Illumina
Classification: Pathogenic for Myotonia congenita. Last evaluated: 2019-04-05. Review status: criteria provided, single submitter. Criteria: ICSL Variant Classification Criteria 09 May 2019. Collection method: clinical testing. Allele origin: germline.
Comment: The CLCN1 c.1437_1450delACCCTGCGGAGGCT (p.Pro480HisfsTer24) variant results in a frameshift variant that is predicted to result in premature termination of the protein. Across a selection of the available literature, the p.Pro480HisfsTer24 variant has been reported in at least 14 individuals with myotonia congenita (MC), which includes three in a homozygous state and six in a compound heterozygous state (Meyer-Kleine et al. 1994; Lehmann-Horn et al. 1995; Meyer-Kleine et al. 1995; Mailander et al. 1996; Fialho et al. 2007; Dupre et al. 2009; Raja Rayan et al. 2012; Brugnoni et al. 2013). The variant appears to be associated with an autosomal recessive inheritance pattern, as the majority of evaluated heterozygous family members were unaffected. Homozygosity for the variant also reportedly results in a more severe phenotype associated with transient weakness and severely reduced chloride conductance in muscle fibers, consistent with features of recessive MC. The p.Pro480HisfsTer24 variant was absent from at least 660 control chromosomes and is reported at a frequency of 0.000150 in the European (non-Finnish) population of the Genome Aggregation Database. Based on the collective evidence, the p.Pro480HisfsTer24 variant is classified as pathogenic for myotonia congenita. This variant was observed by ICSL as part of a predisposition screen in an ostensibly healthy population.

Institute of Human Genetics, University of Leipzig Medical Center
Classification: Pathogenic for Congenital myotonia, autosomal dominant form. Last evaluated: 2019-01-01. Review status: criteria provided, single submitter. Criteria: ACMG Guidelines, 2015. Collection method: clinical testing. Allele origin: unknown. Affected: yes.
Comment: This variant was identified as compound heterozygous.

Department Of Human Genetics, Institute Of Clinical And Translational Research, Biomedical Research Center, Slovak Academy Of Sciences
Classification: Likely pathogenic for Congenital myotonia, autosomal recessive form. Review status: criteria provided, single submitter. Criteria: ACMG Guidelines, 2015. Collection method: research. Allele origin: germline. Inheritance: Autosomal recessive inheritance. Affected: yes. Observed: 3 variant alleles.
Comment: The c.1437_1450del (p.(Pro480Hisfs*24)) variant was found in a heterozygous state in 3 Slovak patients with Myotonia congenita and in all of them also the second Likely Pathogenic variant was found: in two of them it was c.2680C>T (p.(Arg894*), whereas in the last one c.2364+2T>C splicing variant. The c.1437_1450del variant is listed as a disease-causing in the HGMD database (CD941645). GnomAD Exomes Version: 4.0 indicates the frequency of f = 0.000121.

Institute of Human Genetics, University Hospital of Duesseldorf
Classification: Pathogenic for Congenital myotonia, autosomal recessive form. Review status: criteria provided, single submitter. Criteria: ACMG Guidelines, 2015. Collection method: not provided. Allele origin: germline. Inheritance: Autosomal recessive inheritance. Affected: yes.

Juno Genomics, Hangzhou Juno Genomics, Inc
Classification: Pathogenic for Congenital myotonia, autosomal dominant form; Congenital myotonia, autosomal recessive form. Review status: criteria provided, single submitter. Criteria: ACMG Guidelines, 2015. Collection method: clinical testing. Allele origin: germline. Affected: yes.
Comment: Absent from controls (or at extremely low frequency if recessive) in Genome Aggregation Database, Exome Sequencing Project, 1000 Genomes Project, or Exome Aggregation Consortium.;Null variant in a gene where loss of function (LOF) is a known mechanism of disease.;For recessive disorders, detected in trans with a pathogenic variant.;Patient's phenotype or family history is highly specific for a disease with a single genetic etiology.

Practice for Gait Abnormalities, David Pomarino, Competency Network Toe Walking C/o Practice Pomarino
Classification: Likely pathogenic for Tip-toe gait. Last evaluated: 2022-11-15. Review status: no assertion criteria provided. Collection method: clinical testing. Allele origin: germline. Affected: yes. Not counted in ClinVar's aggregate classification.
Comment: Myopathy refers to diseases that affect skeletal Muscles. These diseases attack muscle fibers, making muscles weak. Inherited myopathies are often caused by inheriting an abnormal gene mutation from a parent that causes the disease. Symptoms of congenital myopathies usually start at birth or in early childhood, but may not appear until the teen years or even later in adulthood. Congenital myopathies are somewhat unique compared with other inherited myopathies, as weakness typically affects all muscles and is often not progressive. Symptoms are: Muscle weakness, most commonly of upper arms and shoulders and thighs, muscle cramps, stiffness and spasms, fatigue with exertion and lack of energy. Our patients all walk on tiptoe, so they show similar symptoms. When we genetically test them with our toe walking panel, we find that around 90 per cent of them have a genetic variant that explains their toe walking. These can be assigned, for example, to the area of myopathies (such as variants of the COL6A3 gene), the area of hereditary neuropathies (such as variants of the KMT2C gene) or the area of metabolic diseases (such as variants of the PYGM gene). In a smaller group of patients with almost identical symptoms, no abnormality is found in the genes of our panel, but spastic paraplegia can be detected. In another small group of our toe walkers, no abnormalities can be detected in the genes analysed in our toe walking panel, nor do they suffer from spastic paraplegia, as is also the case with healthy children. In contrast to these, however, they show a tiptoe gait. These patients suffer from infantile cerebral palsy, in which toe walking can also be observed.

OMIM
Classification: Pathogenic for MYOTONIA CONGENITA, AUTOSOMAL RECESSIVE. Last evaluated: 2009-05-01. Review status: no assertion criteria provided. Collection method: literature only. Allele origin: germline. Not counted in ClinVar's aggregate classification.

Institute of Human Genetics, Cologne University
Classification: Uncertain significance for Autosomal dominant intermediate Charcot-Marie-Tooth disease. Last evaluated: 2018-04-26. Review status: flagged submission. Collection method: clinical testing. Allele origin: unknown. Affected: yes. Not counted in ClinVar's aggregate classification.
ClinVar note: Reason: Outlier claim with insufficient supporting evidence

Literature cited by the submitters: PubMed 24349310 (cited by 4 submitters); PubMed 23893571 (cited by 3 submitters); PubMed 17932099 (cited by 3 submitters); PubMed 22094069 (cited by Labcorp Genetics (formerly Invitae), Labcorp); PubMed 23739125 (cited by 3 submitters); PubMed 7951215 (cited by 4 submitters); PubMed 18337730 (cited by Labcorp Genetics (formerly Invitae), Labcorp and Athena Diagnostics); PubMed 22649220 (cited by 3 submitters); PubMed 37712079 (cited by Clinical Omics and Informatics (COIN) Unit, Neuroscience Institute, University Of Cape Town); PubMed 31589614 (cited by Athena Diagnostics); PubMed 34529042 (cited by Athena Diagnostics); PubMed 33263785 (cited by Athena Diagnostics); PubMed 36796140 (cited by Athena Diagnostics); PubMed 8571958 (cited by Athena Diagnostics and Illumina Laboratory Services, Illumina); PubMed 18337100 (cited by 3 submitters); PubMed 7581380 (cited by 3 submitters); PubMed 8533761 (cited by Athena Diagnostics and Illumina Laboratory Services, Illumina); PubMed 37091313 (cited by Practice for Gait Abnormalities, David Pomarino, Competency Network Toe Walking C/o Practice Pomarino); Becker, P. E. Myotonia Congenita and Syndromes associated with Myotonia: Clinical-Genetic Studies of the Nondystrophic Myotonias. Stuttgart: Georg Thieme (pub.) 1977. (cited by OMIM).